The following is an entry in ClinVar:

NM_020937.4(FANCM):c.604G>T (p.Ala202Ser)

Gene: FANCM (FA complementation group M; plus strand). Cytogenetic location: 14q21.2.
Variant type: single nucleotide variant.
Coding change: c.604G>T on transcript NM_020937.4 (MANE Select); coding-DNA position 604, G replaced by T.
Protein change: p.Ala202Ser; replaces alanine 202 with serine.
Molecular consequence: missense variant.
Genome position (GRCh38, 1-based): chr14:45,137,164, G>T. VCF-style: chr14-45137164-G-T. GRCh37 (hg19) VCF-style: chr14-45606367-G-T.
Other names: c.604G>T, p.Ala202Ser (NM_001308133.2, NM_001308134.2); short protein forms A202S.
Identifiers: ClinVar variation 1691910 (VCV001691910.2), dbSNP rs1885579310, ClinGen allele CA389588811.

ClinVar aggregate classification (germline): Uncertain significance. Review status: criteria provided, multiple submitters, no conflicts (2 of 4 stars). 2 submissions from 2 submitters: Uncertain significance (2). Last evaluated 2025-01-13.

Conditions:
Inborn genetic diseases. Identifiers: MedGen C0950123, MeSH D030342.
Hereditary cancer-predisposing syndrome. Also called: Hereditary Cancer Syndrome; Hereditary neoplastic syndrome; Neoplastic Syndromes, Hereditary; Tumor predisposition. Identifiers: Orphanet 140162, MedGen C0027672, MeSH D009386, MONDO:0015356.

Allele frequency attached by ClinVar (database versions not stated): TOPMed below 0.00001.
gnomAD v4.1: 1 of 1,613,858 alleles (0.000062%); no homozygotes.

Submissions (2):

Ambry Genetics
Classification: Uncertain significance for Inborn genetic diseases. Last evaluated: 2025-01-13. Review status: criteria provided, single submitter. Criteria: Ambry Variant Classification Scheme 2023. Collection method: clinical testing. Allele origin: germline.
Comment: The p.A202S variant (also known as c.604G>T), located in coding exon 2 of the FANCM gene, results from a G to T substitution at nucleotide position 604. The alanine at codon 202 is replaced by serine, an amino acid with similar properties. This amino acid position is conserved. In addition, this alteration is predicted to be tolerated by in silico analysis. Based on the available evidence, the clinical significance of this variant remains unclear.

Sema4
Classification: Uncertain significance for Hereditary cancer-predisposing syndrome. Last evaluated: 2021-09-25. Review status: criteria provided, single submitter. Criteria: Sema4 Curation Guidelines. Collection method: curation. Allele origin: germline.
Comment: The FANCM c.604G>T (p.A202S) variant has not been reported in the literature to our knowledge. It was not observed in the large and broad cohorts of the Genome Aggregation Database. The variant has not been reported in ClinVar. In silico tools suggest the impact of the variant on protein function is benign, though these predictions have not been confirmed by functional studies. The evidence is insufficient to meet ACMG/AMP criteria for classifying the variant as benign or pathogenic. Thus, the clinical significance of this variant is currently uncertain.